The following is an entry in ClinVar:

ClinVar aggregate classification (germline): Conflicting classifications of pathogenicity. Review status: criteria provided, conflicting classifications (1 of 4 stars). 4 submissions from 4 submitters: Uncertain significance (2); Likely benign (1). 1 of the submissions does not count toward it. Last evaluated 2025-06-12.

Conditions:
Alpha thalassemia-X-linked intellectual disability syndrome (ATRX). Also called: ALPHA-THALASSEMIA/IMPAIRED INTELLECTUAL DEVELOPMENT SYNDROME, X-LINKED; ALPHA-THALASSEMIA/MENTAL RETARDATION SYNDROME, X-LINKED; ATR, NONDELETION TYPE; X-linked alpha-thalassemia-mental retardation syndrome; ATR-X syndrome; Alpha thalassemia mental retardation syndrome, nondeletion type, X-linked. Identifiers: Orphanet 847, MedGen C1845055, MONDO:0010519, OMIM 301040.
Inborn genetic diseases. Identifiers: MedGen C0950123, MeSH D030342.

Allele frequency attached by ClinVar (database versions not stated): gnomAD exomes 0.00004; TOPMed 0.00002; gnomAD 0.00001.
gnomAD v4.1: 48 of 1,209,533 alleles (0.004%); highest among the groups gnomAD compares: Non-Finnish European, 0.005%; no homozygotes.

Submissions (4):

Revvity Omics, Revvity
Classification: Uncertain significance. Last evaluated: 2025-06-12. Review status: criteria provided, single submitter. Criteria: ACMG Guidelines, 2015. Collection method: clinical testing. Allele origin: germline.

Labcorp Genetics (formerly Invitae), Labcorp
Classification: Uncertain significance for Alpha thalassemia-X-linked intellectual disability syndrome. Last evaluated: 2024-04-02. Review status: criteria provided, single submitter. Criteria: Invitae Variant Classification Sherloc (09022015). Collection method: clinical testing. Allele origin: germline.
Comment: This sequence change replaces isoleucine, which is neutral and non-polar, with valine, which is neutral and non-polar, at codon 964 of the ATRX protein (p.Ile964Val). This variant is not present in population databases (gnomAD no frequency). This variant has not been reported in the literature in individuals affected with ATRX-related conditions. ClinVar contains an entry for this variant (Variation ID: 665108). Advanced modeling of protein sequence and biophysical properties (such as structural, functional, and spatial information, amino acid conservation, physicochemical variation, residue mobility, and thermodynamic stability) performed at Invitae indicates that this missense variant is not expected to disrupt ATRX protein function with a negative predictive value of 95%. In summary, the available evidence is currently insufficient to determine the role of this variant in disease. Therefore, it has been classified as a Variant of Uncertain Significance.

Ambry Genetics
Classification: Likely benign for Inborn genetic diseases. Last evaluated: 2023-02-14. Review status: criteria provided, single submitter. Criteria: Ambry Variant Classification Scheme 2023. Collection method: clinical testing. Allele origin: germline.

Natera, Inc.
Classification: Uncertain significance for X-linked alpha-thalassemia-mental retardation syndrome. Last evaluated: 2021-10-05. Review status: no assertion criteria provided. Collection method: clinical testing. Allele origin: germline. Not counted in ClinVar's aggregate classification.

NM_000489.6(ATRX):c.2890A>G (p.Ile964Val)

Gene: ATRX (ATRX chromatin remodeler; minus strand). Cytogenetic location: Xq21.1.
Variant type: single nucleotide variant.
Coding change: c.2890A>G on transcript NM_000489.6 (MANE Select); coding-DNA position 2890, A replaced by G.
Protein change: p.Ile964Val; replaces isoleucine 964 with valine.
Molecular consequence: missense variant.
Genome position (GRCh38, 1-based): chrX:77,682,366, T>C on the plus strand (A>G on the coding strand, the complement: ATRX is on the minus strand). VCF-style: chrX-77682366-T-C. GRCh37 (hg19) VCF-style: chrX-76937858-T-C.
Other names: c.2890A>G (NM_000489.3, NM_000489.5); c.2776A>G, p.Ile926Val (NM_138270.5); short protein forms I926V, I964V.
Identifiers: ClinVar variation 665108 (VCV000665108.12), dbSNP rs1271635013, ClinGen allele CA413709910.
Genomic context (GRCh38, chrX:77,682,366, plus strand): 5'-GCTTTTTATCATCTTCAGAAGTTTCATCGCTCTGGTCTTTCTTTAGGAATTTCTCTGCAA[T>C]ATCAGATAAGCCATCCTGTACTTTTTTACATGTTTTGGTTTTGAGATGCTTGCTCTTTTC-3'
Protein context (NP_000480.3, residues 954-974): CKKVQDGLSD[Ile964Val]AEKFLKKDQS